The following is an entry in ClinVar:

ClinVar aggregate classification (germline): Pathogenic. Review status: criteria provided, multiple submitters, no conflicts (2 of 4 stars). 2 submissions from 2 submitters: Pathogenic (2). Last evaluated 2026-08-03.

Conditions:
Usher syndrome type 1 (USH1). Also called: RETINITIS PIGMENTOSA AND CONGENITAL DEAFNESS. Identifiers: Orphanet 231169, Orphanet 886, MedGen C1568247, MONDO:0010168, OMIM 276900.

Allele frequency attached by ClinVar (database versions not stated): gnomAD exomes below 0.00001.
gnomAD v4.1: 1 of 1,597,490 alleles (0.000063%); highest among the groups gnomAD compares: Non-Finnish European, 0.000085%; no homozygotes.

Submissions (2):

Myriad Genetics, Inc.
Classification: Pathogenic for Usher syndrome type 1. Last evaluated: 2026-08-03. Review status: criteria provided, single submitter. Criteria: Myriad Autosomal Dominant, Autosomal Recessive and X-Linked Classification Criteria (2023). Collection method: clinical testing. Allele origin: unknown.
Comment: NM_000260.3(MYO7A):c.2367+1G>A is a variant in a canonical splice site classified as pathogenic in the context of MYO7A-related disorders. c.2367+1G>A has been observed in cases with relevant disease (PMID: 23770805). Relevant functional assessments of this variant are not available in the literature. c.2367+1G>A has not been observed in referenced population frequency databases. In summary, NM_000260.3(MYO7A):c.2367+1G>A is a variant in a canonical splice site in a gene where loss of function is a known mechanism of disease, is predicted to disrupt protein function, and has been observed more frequently in cases with the relevant disease than in healthy populations. Please note: this variant was assessed in the context of healthy population screening.

Labcorp Genetics (formerly Invitae), Labcorp
Classification: Pathogenic. Last evaluated: 2023-11-20. Review status: criteria provided, single submitter. Criteria: Invitae Variant Classification Sherloc (09022015). Collection method: clinical testing. Allele origin: germline.
Comment: This sequence change affects a donor splice site in intron 20 of the MYO7A gene. It is expected to disrupt RNA splicing. Variants that disrupt the donor or acceptor splice site typically lead to a loss of protein function (PMID: 16199547), and loss-of-function variants in MYO7A are known to be pathogenic (PMID: 8900236, 25404053). This variant is not present in population databases (gnomAD no frequency). Disruption of this splice site has been observed in individual(s) with autosomal recessive deafness (PMID: 23770805). It has also been observed to segregate with disease in related individuals. ClinVar contains an entry for this variant (Variation ID: 1441800). Algorithms developed to predict the effect of sequence changes on RNA splicing suggest that this variant may disrupt the consensus splice site. For these reasons, this variant has been classified as Pathogenic.

Literature cited by the submitters: PubMed 23770805 (cited by Myriad Genetics, Inc. and Labcorp Genetics (formerly Invitae), Labcorp); PubMed 16199547 (cited by Labcorp Genetics (formerly Invitae), Labcorp); PubMed 8900236 (cited by Labcorp Genetics (formerly Invitae), Labcorp); PubMed 25404053 (cited by Labcorp Genetics (formerly Invitae), Labcorp).

NM_000260.4(MYO7A):c.2367+1G>A

Gene: MYO7A (myosin VIIA; plus strand). Cytogenetic location: 11q13.5.
Variant type: single nucleotide variant.
Coding change: c.2367+1G>A on transcript NM_000260.4 (MANE Select); the canonical splice donor site of the intron after coding-DNA position 2367, G replaced by A.
Molecular consequence: splice donor variant.
Genome position (GRCh38, 1-based): chr11:77,179,130, G>A. VCF-style: chr11-77179130-G-A. GRCh37 (hg19) VCF-style: chr11-76890176-G-A.
Other names: c.2334+1G>A (NM_001369365.1); c.2367+1G>A (NM_001127180.2).
Identifiers: ClinVar variation 1441800 (VCV001441800.7), dbSNP rs2135465268, ClinGen allele CA381941095.
Genomic context (GRCh38, chr11:77,179,130, plus strand): 5'-GCTGCCACACTGATCCAGAGGCACTGGCGGGGTCACAACTGTAGGAAGAACTACGGGCTG[G>A]TGAGCCTCCCCATGGGCTGCTCTTGCCCAAACAGGCCTTTGAACCCAGCCTTGCTGCCAT-3'